The following is an entry in ClinVar:

ClinVar aggregate classification (germline): Conflicting classifications of pathogenicity. Review status: criteria provided, conflicting classifications (1 of 4 stars). 2 submissions from 2 submitters: Uncertain significance (1); Benign (1). Last evaluated 2025-09-25.

Conditions:
Hereditary cancer-predisposing syndrome. Also called: Hereditary neoplastic syndrome; Neoplastic Syndromes, Hereditary; Tumor predisposition; Hereditary Cancer Syndrome. Identifiers: Orphanet 140162, MedGen C0027672, MeSH D009386, MONDO:0015356.
Tuberous sclerosis 2 (TSC2). Identifiers: Orphanet 805, MedGen C1860707, MONDO:0013199, OMIM 613254.

Allele frequency attached by ClinVar (database versions not stated): gnomAD exomes below 0.00001.
gnomAD v4.1: 5 of 1,611,582 alleles (0.00031%); highest among the groups gnomAD compares: Non-Finnish European, 0.000085%; no homozygotes.

Submissions (2):

Labcorp Genetics (formerly Invitae), Labcorp
Classification: Benign for Tuberous sclerosis 2. Last evaluated: 2025-09-25. Review status: criteria provided, single submitter. Criteria: Invitae Variant Classification Sherloc (09022015). Collection method: clinical testing. Allele origin: germline.

Ambry Genetics
Classification: Uncertain significance for Hereditary cancer-predisposing syndrome. Last evaluated: 2022-09-26. Review status: criteria provided, single submitter. Criteria: Ambry Variant Classification Scheme 2023. Collection method: clinical testing. Allele origin: germline.
Comment: The p.R1328K variant (also known as c.3983G>A), located in coding exon 32 of the TSC2 gene, results from a G to A substitution at nucleotide position 3983. The arginine at codon 1328 is replaced by lysine, an amino acid with highly similar properties. This amino acid position is conserved. In addition, the in silico prediction for this alteration is inconclusive. Since supporting evidence is limited at this time, the clinical significance of this alteration remains unclear.

NM_000548.5(TSC2):c.3983G>A (p.Arg1328Lys)

Gene: TSC2 (TSC complex subunit 2; plus strand). Cytogenetic location: 16p13.3.
Variant type: single nucleotide variant.
Coding change: c.3983G>A on transcript NM_000548.5 (MANE Select); coding-DNA position 3983, G replaced by A.
Protein change: p.Arg1328Lys; replaces arginine 1328 with lysine.
Molecular consequence: missense variant.
Genome position (GRCh38, 1-based): chr16:2,083,794, G>A. VCF-style: chr16-2083794-G-A. GRCh37 (hg19) VCF-style: chr16-2133795-G-A.
Other names: c.3782G>A, p.Arg1261Lys (NM_001077183.3); c.3914G>A, p.Arg1305Lys (NM_001114382.3); c.3674G>A, p.Arg1225Lys (NM_001318827.2); c.3638G>A, p.Arg1213Lys (NM_001318829.2); c.3251G>A, p.Arg1084Lys (NM_001318831.2); c.3815G>A, p.Arg1272Lys (NM_001318832.2); c.3785G>A, p.Arg1262Lys (NM_001363528.2); c.3851G>A, p.Arg1284Lys (NM_001370404.1); and 1 more; short protein forms R1084K, R1213K, R1225K, R1261K, R1262K, R1272K, R1284K, R1285K.
Identifiers: ClinVar variation 1027195 (VCV001027195.11), dbSNP rs112885324, ClinGen allele CA276752889.